The following is an entry in ClinVar:

ClinVar aggregate classification (germline): Likely benign. Review status: criteria provided, multiple submitters, no conflicts (2 of 4 stars). 2 submissions from 2 submitters: Likely benign (2). Last evaluated 2018-06-14.

Allele frequency attached by ClinVar (database versions not stated): 1000 Genomes Project 30x 0.01124; 1000 Genomes Project 0.01139; TOPMed 0.01606; gnomAD 0.01634.
gnomAD v4.1: 26,054 of 1,068,177 alleles (2.4%); highest among the groups gnomAD compares: Non-Finnish European, 2.8%; 292 homozygotes.

Submissions (2):

GeneDx
Classification: Likely benign. Last evaluated: 2018-06-14. Review status: criteria provided, single submitter. Criteria: GeneDx Variant Classification (06012015). Collection method: clinical testing. Allele origin: germline. Affected: yes.
Comment: This variant is considered likely benign or benign based on one or more of the following criteria: it is a conservative change, it occurs at a poorly conserved position in the protein, it is predicted to be benign by multiple in silico algorithms, and/or has population frequency not consistent with disease.

Breakthrough Genomics
Classification: Likely benign. Review status: criteria provided, single submitter. Criteria: ACMG Guidelines, 2015. Collection method: not provided. Allele origin: germline. Inheritance: X-linked recessive inheritance. Affected: yes.

NM_000047.3(ARSL):c.185+101A>G

Gene: ARSL (arylsulfatase L; minus strand). Cytogenetic location: Xp22.33.
Variant type: single nucleotide variant.
Coding change: c.185+101A>G on transcript NM_000047.3 (MANE Select); 101 bases into the intron after coding-DNA position 185, A replaced by G.
Molecular consequence: intron variant.
Genome position (GRCh38, 1-based): chrX:2,958,173, T>C on the plus strand (A>G on the coding strand, the complement: ARSL is on the minus strand). VCF-style: chrX-2958173-T-C. GRCh37 (hg19) VCF-style: chrX-2876214-T-C.
Other names: c.260+101A>G (NM_001282628.2, NM_001369080.1); c.23+2205A>G (NM_001282631.2); c.212+101A>G (NM_001369079.1).
Identifiers: ClinVar variation 675178 (VCV000675178.2), dbSNP rs138325310, ClinGen allele CA325985693.